The following is an entry in ClinVar:

ClinVar aggregate classification (germline): Uncertain significance. Review status: criteria provided, multiple submitters, no conflicts (2 of 4 stars). 2 submissions from 2 submitters: Uncertain significance (2). Last evaluated 2021-12-07.

Allele frequency attached by ClinVar (database versions not stated): TOPMed below 0.00001.

Submissions (2):

GeneDx
Classification: Uncertain significance. Last evaluated: 2021-12-07. Review status: criteria provided, single submitter. Criteria: GeneDx Variant Classification Process June 2021. Collection method: clinical testing. Allele origin: germline. Affected: yes.
Comment: Not observed at significant frequency in large population cohorts (gnomAD); Missense variant in a gene in which most reported pathogenic variants are truncating/loss-of-function; Has not been previously published as pathogenic or benign to our knowledge; This variant is associated with the following publications: (PMID: 23975875)

Revvity Omics, Revvity
Classification: Uncertain significance. Last evaluated: 2020-05-25. Review status: criteria provided, single submitter. Criteria: ACMG Guidelines, 2015. Collection method: clinical testing. Allele origin: germline.

NM_001267550.2(TTN):c.93058C>T (p.Pro31020Ser)

Genes: TTN (titin; minus strand), TTN-AS1 (TTN antisense RNA 1; plus strand). Cytogenetic location: 2q31.2.
Variant type: single nucleotide variant.
Coding change: c.93058C>T on transcript NM_001267550.2 (MANE Select); coding-DNA position 93058, C replaced by T.
Protein change: p.Pro31020Ser; replaces proline 31020 with serine.
Molecular consequence: missense variant.
Genome position (GRCh38, 1-based): chr2:178,548,568, G>A on the plus strand (C>T on the coding strand, the complement: TTN is on the minus strand). VCF-style: chr2-178548568-G-A. GRCh37 (hg19) VCF-style: chr2-179413295-G-A.
Other names: c.88135C>T, p.Pro29379Ser (NM_001256850.1); c.65863C>T, p.Pro21955Ser (NM_003319.4); c.85354C>T, p.Pro28452Ser (NM_133378.4); c.66238C>T, p.Pro22080Ser (NM_133432.3); c.66439C>T, p.Pro22147Ser (NM_133437.4); short protein forms P21955S, P22080S, P22147S, P28452S, P29379S, P31020S.
Identifiers: ClinVar variation 1526301 (VCV001526301.4), dbSNP rs944645264, ClinGen allele CA60974047.
Genomic context (GRCh38, chr2:178,548,568, plus strand): 5'-GGGCATCCCACATCAATGTAGCAGATCCCCGGGTCACATCTTTGAAGGTAATTGGGCCAG[G>A]TGGGCCTGGAGTGTCTAGCACTTTCACGGTGAATGTGATTGACTTACTACCACTGTTGTT-3'
Protein context (NP_001254479.2, residues 31010-31030): TVKVLDTPGP[Pro31020Ser]GPITFKDVTR